The following is an entry in ClinVar:

NM_001099271.2(POC5):c.819C>G (p.Asp273Glu)

Gene: POC5 (POC5 centriolar protein; minus strand). Cytogenetic location: 5q13.3.
Variant type: single nucleotide variant.
Coding change: c.819C>G on transcript NM_001099271.2 (MANE Select); coding-DNA position 819, C replaced by G.
Protein change: p.Asp273Glu; replaces aspartic acid 273 with glutamic acid.
Molecular consequence: missense variant.
Genome position (GRCh38, 1-based): chr5:75,690,539, G>C on the plus strand (C>G on the coding strand, the complement: POC5 is on the minus strand). VCF-style: chr5-75690539-G-C. GRCh37 (hg19) VCF-style: chr5-74986364-G-C.
Other names: c.744C>G, p.Asp248Glu (NM_152408.3); short protein forms D273E, D248E.
Identifiers: ClinVar variation 1951817 (VCV001951817.5), dbSNP rs2478828036, ClinGen allele CA360146691.

ClinVar aggregate classification (germline): Uncertain significance (1 of 4 stars; one submission).

gnomAD v4.1: 2 of 1,588,374 alleles (0.00013%); highest among the groups gnomAD compares: Admixed American, 0.0018%; no homozygotes.

Submission:

Labcorp Genetics (formerly Invitae), Labcorp
Classification: Uncertain significance. Last evaluated: 2022-06-15. Review status: criteria provided, single submitter. Criteria: Invitae Variant Classification Sherloc (09022015). Collection method: clinical testing. Allele origin: germline.
Comment: In summary, the available evidence is currently insufficient to determine the role of this variant in disease. Therefore, it has been classified as a Variant of Uncertain Significance. Algorithms developed to predict the effect of missense changes on protein structure and function output the following: SIFT: "Not Available"; PolyPhen-2: "Probably Damaging"; Align-GVGD: "Not Available". The glutamic acid amino acid residue is found in multiple mammalian species, which suggests that this missense change does not adversely affect protein function. This variant has not been reported in the literature in individuals affected with POC5-related conditions. This variant is not present in population databases (gnomAD no frequency). This sequence change replaces aspartic acid, which is acidic and polar, with glutamic acid, which is acidic and polar, at codon 273 of the POC5 protein (p.Asp273Glu).